The following is an entry in ClinVar:

NM_002658.6(PLAU):c.581C>T (p.Ala194Val)

Genes: C10orf55 (chromosome 10 putative open reading frame 55; minus strand), PLAU (plasminogen activator, urokinase; plus strand), LOC126860960 (BRD4-independent group 4 enhancer GRCh37_chr10:75672789-75673988; plus strand). Cytogenetic location: 10q22.2.
Variant type: single nucleotide variant.
Coding change: c.581C>T on transcript NM_002658.6 (MANE Select); coding-DNA position 581, C replaced by T.
Protein change: p.Ala194Val; replaces alanine 194 with valine.
Molecular consequence: missense variant.
Genome position (GRCh38, 1-based): chr10:73,913,659, C>T. VCF-style: chr10-73913659-C-T. GRCh37 (hg19) VCF-style: chr10-75673417-C-T.
Other names: c.530C>T, p.Ala177Val (NM_001145031.3); c.323C>T, p.Ala108Val (NM_001319191.2); short protein forms A177V, A194V, A108V.
Identifiers: ClinVar variation 300750 (VCV000300750.6), dbSNP rs145865648, ClinGen allele CA5562466.
Genomic context (GRCh38, chr10:73,913,659, plus strand): 5'-GGCCCCGCTTTAAGATTATTGGGGGAGAATTCACCACCATCGAGAACCAGCCCTGGTTTG[C>T]GGCCATCTACAGGAGGCACCGGGGGGGCTCTGTCACCTACGTGTGTGGAGGCAGCCTCAT-3'
Protein context (NP_002649.2, residues 184-204): FTTIENQPWF[Ala194Val]AIYRRHRGGS

ClinVar aggregate classification (germline): Benign. Review status: criteria provided, multiple submitters, no conflicts (2 of 4 stars). 2 submissions from 2 submitters: Benign (2). Last evaluated 2018-01-12.

Conditions:
Quebec platelet disorder (QPD). Also called: FACTOR V QUEBEC; BLEEDING DISORDER, PLATELET-TYPE, 5. Identifiers: Orphanet 220436, MedGen C1866423, MONDO:0011136, OMIM 601709.

Allele frequency attached by ClinVar (database versions not stated): ExAC 0.00038; gnomAD exomes 0.00033; 1000 Genomes Project 0.00060; TOPMed 0.00016; gnomAD 0.00018 and 0.00011; 1000 Genomes Project 30x 0.00047.
gnomAD v4.1: 707 of 1,613,802 alleles (0.044%); highest among the groups gnomAD compares: East Asian, 1.1%; 4 homozygotes.

Submissions (2):

Illumina Laboratory Services, Illumina
Classification: Benign for Quebec platelet disorder. Last evaluated: 2018-01-12. Review status: criteria provided, single submitter. Criteria: ICSL Variant Classification Criteria 13 December 2019. Collection method: clinical testing. Allele origin: germline.
Comment: This variant was observed in the ICSL laboratory as part of a predisposition screen in an ostensibly healthy population. It had not been previously curated by ICSL or reported in the Human Gene Mutation Database (HGMD: prior to June 1st, 2018), and was therefore a candidate for classification through an automated scoring system. Utilizing variant allele frequency, disease prevalence and penetrance estimates, and inheritance mode, an automated score was calculated to assess if this variant is too frequent to cause the disease. Based on the score and internal cut-off values, a variant classified as benign is not then subjected to further curation. The score for this variant resulted in a classification of benign for this disease.

Breakthrough Genomics
Classification: Benign. Review status: criteria provided, single submitter. Criteria: ACMG Guidelines, 2015. Collection method: not provided. Allele origin: germline. Inheritance: Autosomal dominant inheritance. Affected: yes.